The following is an entry in ClinVar:

NM_001349338.3(FOXP1):c.1523C>T (p.Thr508Met)

Genes: FOXP1 (forkhead box P1; minus strand), LOC126806714 (BRD4-independent group 4 enhancer GRCh37_chr3:71025197-71026396; plus strand). Cytogenetic location: 3p13.
Variant type: single nucleotide variant.
Coding change: c.1523C>T on transcript NM_001349338.3 (MANE Select); coding-DNA position 1523, C replaced by T.
Protein change: p.Thr508Met; replaces threonine 508 with methionine.
Molecular consequence: missense variant. On other transcripts: non-coding transcript variant (2).
Genome position (GRCh38, 1-based): chr3:70,976,948, G>A on the plus strand (C>T on the coding strand, the complement: FOXP1 is on the minus strand). VCF-style: chr3-70976948-G-A. GRCh37 (hg19) VCF-style: chr3-71026099-G-A.
Other names: c.1295C>T, p.Thr432Met (NM_001244812.3); c.1223C>T, p.Thr408Met (NM_001244813.3, NM_001244815.2, NM_001349342.3); c.1523C>T, p.Thr508Met (NM_001244814.3, NM_001244816.2, NM_001349340.3 and 2 more transcripts); c.1220C>T, p.Thr407Met (NM_001349337.2, NM_001349343.3, NM_001349344.3 and 1 more transcripts); c.1520C>T, p.Thr507Met (NM_001349341.3, NM_001244808.3); short protein forms T407M, T408M, T432M, T507M, T508M.
Identifiers: ClinVar variation 1314375 (VCV001314375.7), dbSNP rs2037693846, ClinGen allele CA353492656.

ClinVar aggregate classification (germline): Conflicting classifications of pathogenicity. Review status: criteria provided, conflicting classifications (1 of 4 stars). 2 submissions from 2 submitters: Likely pathogenic (1); Uncertain significance (1). Last evaluated 2024-12-09.

Allele frequency attached by ClinVar (database versions not stated): gnomAD 0.00001.
gnomAD v4.1: 1 of 1,612,466 alleles (0.000062%); highest among the groups gnomAD compares: Admixed American, 0.0017%; no homozygotes.

Submissions (2):

Labcorp Genetics (formerly Invitae), Labcorp
Classification: Uncertain significance. Last evaluated: 2024-12-09. Review status: criteria provided, single submitter. Criteria: Invitae Variant Classification Sherloc (09022015). Collection method: clinical testing. Allele origin: germline.
Comment: This sequence change replaces threonine, which is neutral and polar, with methionine, which is neutral and non-polar, at codon 508 of the FOXP1 protein (p.Thr508Met). This variant is not present in population databases (gnomAD no frequency). This variant has not been reported in the literature in individuals affected with FOXP1-related conditions. ClinVar contains an entry for this variant (Variation ID: 1314375). Invitae Evidence Modeling of protein sequence and biophysical properties (such as structural, functional, and spatial information, amino acid conservation, physicochemical variation, residue mobility, and thermodynamic stability) indicates that this missense variant is expected to disrupt FOXP1 protein function with a positive predictive value of 80%. In summary, the available evidence is currently insufficient to determine the role of this variant in disease. Therefore, it has been classified as a Variant of Uncertain Significance.

GeneDx
Classification: Likely pathogenic. Last evaluated: 2024-04-16. Review status: criteria provided, single submitter. Criteria: GeneDx Variant Classification Process June 2021. Collection method: clinical testing. Allele origin: germline. Affected: yes.
Comment: Not observed at significant frequency in large population cohorts (gnomAD); In silico analysis supports that this missense variant has a deleterious effect on protein structure/function; Has not been previously published as pathogenic or benign to our knowledge